The following is an entry in ClinVar:

NM_015176.4(FBXO28):c.822C>T (p.Gly274=)

Gene: FBXO28 (F-box protein 28; plus strand). Cytogenetic location: 1q42.11.
Variant type: single nucleotide variant.
Coding change: c.822C>T on transcript NM_015176.4 (MANE Select); coding-DNA position 822, C replaced by T.
Protein change: p.Gly274=; no amino-acid change (glycine 274 retained).
Molecular consequence: synonymous variant. On other transcripts: 3 prime UTR variant (1), non-coding transcript variant (1).
Genome position (GRCh38, 1-based): chr1:224,157,461, C>T. VCF-style: chr1-224157461-C-T. GRCh37 (hg19) VCF-style: chr1-224345163-C-T.
Other names: c.*86C>T (NM_001136115.3).
Identifiers: ClinVar variation 3898215 (VCV003898215.7).

ClinVar aggregate classification (germline): Likely benign (1 of 4 stars; one submission).

gnomAD v4.1: 263 of 1,614,094 alleles (0.016%); highest among the groups gnomAD compares: Admixed American, 0.032%; no homozygotes.

Submission:

CeGaT Center for Human Genetics Tuebingen
Classification: Likely benign. Last evaluated: 2026-09-01. Review status: criteria provided, single submitter. Criteria: CeGaT Center For Human Genetics Tuebingen Variant Classification Criteria Version 2. Collection method: clinical testing. Allele origin: germline. Affected: yes. Observed: 2 variant alleles.
Comment: FBXO28: BP4, BP7